The following is an entry in ClinVar:

NM_001243133.2(NLRP3):c.3013G>T (p.Glu1005Ter)

Gene: NLRP3 (NLR family pyrin domain containing 3; plus strand). Cytogenetic location: 1q44.
Variant type: single nucleotide variant.
Coding change: c.3013G>T on transcript NM_001243133.2 (MANE Select); coding-DNA position 3013, G replaced by T.
Protein change: p.Glu1005Ter; replaces glutamic acid 1005 with a stop codon.
Molecular consequence: nonsense.
Genome position (GRCh38, 1-based): chr1:247,448,412, G>T. VCF-style: chr1-247448412-G-T. GRCh37 (hg19) VCF-style: chr1-247611714-G-T.
Other names: NM_001243133.2(NLRP3):c.3013G>T; p.Glu1005Ter; c.3013G>T, p.Glu1005Ter (NM_001079821.3); c.2842G>T, p.Glu948Ter (NM_001127461.3, NM_001127462.3); c.3019G>T, p.Glu1007Ter (NM_004895.5); c.2671G>T, p.Glu891Ter (NM_183395.3); short protein forms E891*, E1005*, E1007*, E948*.
Identifiers: ClinVar variation 942806 (VCV000942806.4), dbSNP rs1222702587, ClinGen allele CA345566776.

ClinVar aggregate classification (germline): Uncertain significance. Review status: criteria provided, multiple submitters, no conflicts (2 of 4 stars). 2 submissions from 2 submitters: Uncertain significance (2). Last evaluated 2025-06-26.

Conditions:
Cryopyrin associated periodic syndrome (CAPS). Identifiers: Orphanet 208650, MedGen C2316212, MONDO:0016168.

Submissions (2):

Broad Center for Mendelian Genomics, Broad Institute of MIT and Harvard
Classification: Uncertain significance for Cryopyrin associated periodic syndrome. Last evaluated: 2025-06-26. Review status: criteria provided, single submitter. Criteria: ACMG Guidelines, 2015. Collection method: curation. Allele origin: germline. Inheritance: Autosomal dominant inheritance. Study: GREGoR Consortium.
Comment: The p.Glu1005Ter variant in NLRP3 was identified by our study in 2 affected siblings with cryopyrin-associated periodic syndrome. The p.Glu1005Ter variant has not been previously reported in the literature in individuals with cryopyrin-associated periodic syndrome, and was identified in 0.003% (2/59906) of Admixed American chromosomes by the Genome Aggregation Database (gnomAD; dbSNP rs1222702587). Although this variant has been seen in the general population in a heterozygous state, its frequency is not high enough to rule out a pathogenic role. Pathogenic variants may be present at a low frequency in the general population, for diseases with clinical variability, or reduced penetrance. This nonsense variant leads to a premature termination codon at position 1005. This alteration occurs within the last exon and is more likely to escape nonsense mediated decay (NMD) and result in a truncated protein. In summary, the clinical significance of the p.Glu1005Ter variant in NLRP3 is uncertain. ACMG/AMP criteria applied: PM2_supporting, PVS1_supporting (Richards 2015).

Labcorp Genetics (formerly Invitae), Labcorp
Classification: Uncertain significance for Cryopyrin associated periodic syndrome. Last evaluated: 2020-04-30. Review status: criteria provided, single submitter. Criteria: Invitae Variant Classification Sherloc (09022015). Collection method: clinical testing. Allele origin: germline.
Comment: This sequence change results in a premature translational stop signal in the NLRP3 gene (p.Glu1007*). While this is not anticipated to result in nonsense mediated decay, it is expected to disrupt the last 30 amino acids of the NLRP3 protein. This variant is not present in population databases (ExAC no frequency). This variant has not been reported in the literature in individuals with NLRP3-related conditions. Experimental studies and prediction algorithms are not available or were not evaluated for this variant, and the functional significance of the affected amino acid(s) is currently unknown. In summary, the available evidence is currently insufficient to determine the role of this variant in disease. Therefore, it has been classified as a Variant of Uncertain Significance.